The following is an entry in ClinVar:

NM_000152.5(GAA):c.510C>A (p.Asp170Glu)

Gene: GAA (alpha glucosidase; plus strand). Cytogenetic location: 17q25.3.
Variant type: single nucleotide variant.
Coding change: c.510C>A on transcript NM_000152.5 (MANE Select); coding-DNA position 510, C replaced by A.
Protein change: p.Asp170Glu; replaces aspartic acid 170 with glutamic acid.
Molecular consequence: missense variant.
Genome position (GRCh38, 1-based): chr17:80,105,096, C>A. VCF-style: chr17-80105096-C-A. GRCh37 (hg19) VCF-style: chr17-78078895-C-A.
Other names: c.510C>A, p.Asp170Glu (NM_001079803.3, NM_001079804.3, NM_001406741.1 and 1 more transcripts); short protein forms D170E.
Identifiers: ClinVar variation 3702641 (VCV003702641.1).

ClinVar aggregate classification (germline): Uncertain significance (1 of 4 stars; one submission).

Conditions:
Glycogen storage disease, type II (IOPD). Also called: GLYCOGENOSIS, GENERALIZED, CARDIAC FORM; POMPE DISEASE, INFANTILE-ONSET; GLYCOGEN STORAGE DISEASE II, INFANTILE-ONSET; ACID ALPHA-GLUCOSIDASE DEFICIENCY, INFANTILE-ONSET; GAA DEFICIENCY, INFANTILE-ONSET; ACID MALTASE DEFICIENCY, INFANTILE-ONSET. Identifiers: Orphanet 365, MedGen C0017921, MONDO:0009290, OMIM 232300.

Submission:

Labcorp Genetics (formerly Invitae), Labcorp
Classification: Uncertain significance for Glycogen storage disease, type II. Last evaluated: 2024-08-29. Review status: criteria provided, single submitter. Criteria: Invitae Variant Classification Sherloc (09022015). Collection method: clinical testing. Allele origin: germline.
Comment: This sequence change replaces aspartic acid, which is acidic and polar, with glutamic acid, which is acidic and polar, at codon 170 of the GAA protein (p.Asp170Glu). This variant is not present in population databases (gnomAD no frequency). This variant has not been reported in the literature in individuals affected with GAA-related conditions. Invitae Evidence Modeling of protein sequence and biophysical properties (such as structural, functional, and spatial information, amino acid conservation, physicochemical variation, residue mobility, and thermodynamic stability) indicates that this missense variant is not expected to disrupt GAA protein function with a negative predictive value of 95%. In summary, the available evidence is currently insufficient to determine the role of this variant in disease. Therefore, it has been classified as a Variant of Uncertain Significance.